The following is an entry in ClinVar:

ClinVar aggregate classification (germline): Benign/Likely benign. Review status: criteria provided, multiple submitters, no conflicts (2 of 4 stars). 18 submissions from 17 submitters: Benign (7); Likely benign (6). 5 of the submissions do not count toward it. Last evaluated 2026-02-01.

Conditions:
WFS1-Related Spectrum Disorders.
WFS1-related disorder. Identifiers: MedGen CN379391, MONDO:0700293.
Monogenic diabetes. Identifiers: Orphanet 183625, MedGen C3888631, MONDO:0015967.
Nonsyndromic genetic hearing loss. Also called: Nonsyndromic hearing loss and deafness; Nonsyndromic genetic deafness; Non-syndromic genetic deafness. Identifiers: Orphanet 87884, MedGen C5680182, MONDO:0019497.
Autosomal dominant nonsyndromic hearing loss 6 (LFSNHL). Also called: DEAFNESS, AUTOSOMAL DOMINANT 6; DEAFNESS, AUTOSOMAL DOMINANT 14; DEAFNESS, AUTOSOMAL DOMINANT 38; Autosomal dominant nonsyndromic deafness 6. Identifiers: Orphanet 90635, MedGen C1833021, MONDO:0010963, OMIM 600965.

Allele frequency attached by ClinVar (database versions not stated): 1000 Genomes Project 0.00080; 1000 Genomes Project 30x 0.00094; TOPMed 0.00247; gnomAD 0.00338 and 0.00354; ESP Exome Variant Server 0.00354; gnomAD exomes 0.00380 and 0.00433; ExAC 0.00419.
gnomAD v4.1: 6,835 of 1,612,924 alleles (0.42%); highest among the groups gnomAD compares: Non-Finnish European, 0.48%; 31 homozygotes.

Submissions (18):

CeGaT Center for Human Genetics Tuebingen
Classification: Likely benign. Last evaluated: 2026-02-01. Review status: criteria provided, single submitter. Criteria: CeGaT Center For Human Genetics Tuebingen Variant Classification Criteria Version 2. Collection method: clinical testing. Allele origin: germline. Affected: yes. Observed: 12 variant alleles.
Comment: WFS1: BS2

Labcorp Genetics (formerly Invitae), Labcorp
Classification: Benign. Last evaluated: 2026-01-21. Review status: criteria provided, single submitter. Criteria: Invitae Variant Classification Sherloc (09022015). Collection method: clinical testing. Allele origin: germline.

Mayo Clinic Laboratories, Mayo Clinic
Classification: Likely benign. Last evaluated: 2025-07-31. Review status: criteria provided, single submitter. Criteria: ACMG Guidelines, 2015. Collection method: clinical testing. Allele origin: germline. Observed: 6 variant alleles.
Comment: BA1, BS2_supporting, PP3_strong

ARUP Laboratories, Molecular Genetics and Genomics, ARUP Laboratories
Classification: Likely benign. Last evaluated: 2025-01-16. Review status: criteria provided, single submitter. Criteria: ARUP Molecular Germline Variant Investigation Process 2024. Collection method: clinical testing. Allele origin: germline.

Blueprint Genetics
Classification: Likely benign. Last evaluated: 2024-11-21. Review status: criteria provided, single submitter. Criteria: ACMG Guidelines, 2015. Collection method: clinical testing. Allele origin: germline.

Genetic Services Laboratory, University of Chicago
Classification: Likely benign. Last evaluated: 2021-10-21. Review status: criteria provided, single submitter. Criteria: ACMG Guidelines, 2015. Collection method: clinical testing. Allele origin: germline. Affected: no.

INGEBI, INGEBI / CONICET
Classification: Benign for Nonsyndromic genetic hearing loss. Last evaluated: 2021-07-15. Review status: criteria provided, single submitter. Criteria: ClinGen HL ACMG Specifications v1. Collection method: clinical testing. Allele origin: germline. Inheritance: Autosomal dominant inheritance. Affected: yes.
Comment: Based on ACMG/AMP guidelines and Hearing Loss Expert Panel specific criteria: The filter allele frequency of the c.2327A>T in WFS1 gene is 0,5% for european non-finnish and 1% for european finnish (calculatin with 95%CI) in gnomAD database, exceeding the treshold for dominant HL, meeting BA1. Computational analysis predicted a pathogenic effect of the mutation to the protein, REVEL= 0,98 (PP3). However, there is a report in which the variant did not segregate with the pathology in a family (an unaffected sibling and father carried the mutation) meeting BS4. Taking into account the evidence: BA1, PP3, PP1_Sup and BS4 the vartiant is classified as Benign.

GeneDx
Classification: Benign. Last evaluated: 2020-03-04. Review status: criteria provided, single submitter. Criteria: GeneDx Variant Classification Process June 2021. Collection method: clinical testing. Allele origin: germline. Affected: yes.
Comment: Identified in patients with Wolfram syndrome who harbored a second missense variant in the WFS1 gene in published literature but it is not known whether the variants occurred on the same (in cis) or on different (in trans) chromosomes (Smith et al., 2004; Astuti et al., 2017); This variant is associated with the following publications: (PMID: 21446023, 20981092, 24909696, 15277431, 28432734, 30245029, 31638168)

Illumina Laboratory Services, Illumina
Classification: Likely benign for WFS1-Related Spectrum Disorders. Last evaluated: 2018-03-06. Review status: criteria provided, single submitter. Criteria: ICSL Variant Classification Criteria 13 December 2019. Collection method: clinical testing. Allele origin: germline.
Comment: This variant was observed in the ICSL laboratory as part of a predisposition screen in an ostensibly healthy population. It had not been previously curated by ICSL or reported in the Human Gene Mutation Database (HGMD: prior to June 1st, 2018), and was therefore a candidate for classification through an automated scoring system. Utilizing variant allele frequency, disease prevalence and penetrance estimates, and inheritance mode, an automated score was calculated to assess if this variant is too frequent to cause the disease. Based on the score and internal cut-off values, a variant classified as likely benign is not then subjected to further curation. The score for this variant resulted in a classification of likely benign for this disease.

Illumina Laboratory Services, Illumina
Classification: Benign for Autosomal dominant nonsyndromic hearing loss 6. Last evaluated: 2018-03-06. Review status: criteria provided, single submitter. Criteria: ICSL Variant Classification Criteria 13 December 2019. Collection method: clinical testing. Allele origin: germline.
Comment: This variant was observed in the ICSL laboratory as part of a predisposition screen in an ostensibly healthy population. It had not been previously curated by ICSL or reported in the Human Gene Mutation Database (HGMD: prior to June 1st, 2018), and was therefore a candidate for classification through an automated scoring system. Utilizing variant allele frequency, disease prevalence and penetrance estimates, and inheritance mode, an automated score was calculated to assess if this variant is too frequent to cause the disease. Based on the score and internal cut-off values, a variant classified as benign is not then subjected to further curation. The score for this variant resulted in a classification of benign for this disease.

Eurofins Ntd Llc (ga)
Classification: Benign. Last evaluated: 2017-11-21. Review status: criteria provided, single submitter. Criteria: EGL Classification Definitions 2015. Collection method: clinical testing. Allele origin: germline. Observed: 2 variant alleles, 2 heterozygotes.

Personalized Diabetes Medicine Program, University of Maryland School of Medicine
Classification: Benign for Monogenic diabetes. Last evaluated: 2017-03-10. Review status: criteria provided, single submitter. Criteria: ACMG Guidelines, 2015. Collection method: research. Allele origin: unknown. Observed: 1 variant allele, 1 heterozygote. Study: Personalized Diabetes Medicine Program.
Comment: ACMG Criteria:PP3 (10 predictors), BS1 (1.15% in ExAC Finnish population, 1 homo in ExAC), BS2 (39 cases and 42 controls in an online resource)

Laboratory for Molecular Medicine, Mass General Brigham Personalized Medicine
Classification: Benign. Last evaluated: 2012-05-07. Review status: criteria provided, single submitter. Criteria: LMM Criteria. Collection method: clinical testing. Allele origin: germline. Observed: 14 variant alleles.
Comment: Glu776Val in Exon 08 of WFS1: This variant is not expected to have clinical sign ificance because it has been identified in 0.4% (31/7006) of European American c hromosomes from a broad population by the NHLBI Exome Sequencing Project (dbSNP rs56002719).

PreventionGenetics, part of Exact Sciences
Classification: Likely benign for WFS1-related condition. Last evaluated: 2019-06-15. Review status: no assertion criteria provided. Collection method: clinical testing. Allele origin: germline. Not counted in ClinVar's aggregate classification.
Comment: This variant is classified as likely benign based on ACMG/AMP sequence variant interpretation guidelines (Richards et al. 2015 PMID: 25741868, with internal and published modifications).

Clinical Genetics DNA and cytogenetics Diagnostics Lab, Erasmus MC, Erasmus Medical Center
Classification: Likely benign. Review status: no assertion criteria provided. Collection method: clinical testing. Allele origin: germline. Affected: yes. Study: VKGL Data-share Consensus. Not counted in ClinVar's aggregate classification.

Clinical Genetics, Academic Medical Center
Classification: Likely benign. Review status: no assertion criteria provided. Collection method: clinical testing. Allele origin: germline. Affected: yes. Study: VKGL Data-share Consensus. Not counted in ClinVar's aggregate classification.

Joint Genome Diagnostic Labs from Nijmegen and Maastricht, Radboudumc and MUMC+
Classification: Likely benign. Review status: no assertion criteria provided. Collection method: clinical testing. Allele origin: germline. Affected: yes. Study: VKGL Data-share Consensus. Not counted in ClinVar's aggregate classification.

Laboratory of Diagnostic Genome Analysis, Leiden University Medical Center (LUMC)
Classification: Likely benign. Review status: no assertion criteria provided. Collection method: clinical testing. Allele origin: germline. Affected: yes. Study: VKGL Data-share Consensus. Not counted in ClinVar's aggregate classification.

NM_006005.3(WFS1):c.2327A>T (p.Glu776Val)

Gene: WFS1 (wolframin ER transmembrane glycoprotein; plus strand). Cytogenetic location: 4p16.1.
Variant type: single nucleotide variant.
Coding change: c.2327A>T on transcript NM_006005.3 (MANE Select); coding-DNA position 2327, A replaced by T.
Protein change: p.Glu776Val; replaces glutamic acid 776 with valine.
Molecular consequence: missense variant.
Genome position (GRCh38, 1-based): chr4:6,302,122, A>T. VCF-style: chr4-6302122-A-T. GRCh37 (hg19) VCF-style: chr4-6303849-A-T.
Other names: p.E776V:GAG>GTG; c.2327A>T, p.Glu776Val (NM_001145853.1); short protein forms E776V.
Identifiers: ClinVar variation 166606 (VCV000166606.84), dbSNP rs56002719, ClinGen allele CA179675.
Genomic context (GRCh38, chr4:6,302,122, plus strand): 5'-GCCTTAAGCTGCTGGCCAAGCACCCCTGCCACATCAAGAAGTTCGACCGCTACAAGTTTG[A>T]GATTACCGTGGGCATGCCATTCAGCAGCGGCGCTGACGGCTCGCGCAGCCGCGAGGAGGA-3'
Protein context (NP_005996.2, residues 766-786): HIKKFDRYKF[Glu776Val]ITVGMPFSSG